The following is an entry in ClinVar:

NM_000143.4(FH):c.1483G>C (p.Glu495Gln)

Gene: FH (fumarate hydratase; minus strand). Cytogenetic location: 1q43.
Variant type: single nucleotide variant.
Coding change: c.1483G>C on transcript NM_000143.4 (MANE Select); coding-DNA position 1483, G replaced by C.
Protein change: p.Glu495Gln; replaces glutamic acid 495 with glutamine.
Molecular consequence: missense variant.
Genome position (GRCh38, 1-based): chr1:241,497,878, C>G on the plus strand (G>C on the coding strand, the complement: FH is on the minus strand). VCF-style: chr1-241497878-C-G. GRCh37 (hg19) VCF-style: chr1-241661178-C-G.
Other names: short protein forms E495Q.
Identifiers: ClinVar variation 5021760 (VCV005021760.1).

ClinVar aggregate classification (germline): Uncertain significance (1 of 4 stars; one submission).

Conditions:
Hereditary cancer-predisposing syndrome. Also called: Neoplastic Syndromes, Hereditary; Tumor predisposition; Hereditary neoplastic syndrome; Hereditary Cancer Syndrome. Identifiers: Orphanet 140162, MedGen C0027672, MeSH D009386, MONDO:0015356.

Submission:

Ambry Genetics
Classification: Uncertain significance for Hereditary cancer-predisposing syndrome. Last evaluated: 2026-07-07. Review status: criteria provided, single submitter. Criteria: Ambry Variant Classification Scheme 2023. Collection method: clinical testing. Allele origin: germline.
Comment: The p.E495Q variant (also known as c.1483G>C), located in coding exon 10 of the FH gene, results from a G to C substitution at nucleotide position 1483. The glutamic acid at codon 495 is replaced by glutamine, an amino acid with highly similar properties. This amino acid position is conserved. In addition, the in silico prediction for this alteration is inconclusive. Based on the available evidence, the clinical significance of this variant remains unclear.